The following is an entry in ClinVar:

ClinVar aggregate classification (germline): Uncertain significance. Review status: criteria provided, multiple submitters, no conflicts (2 of 4 stars). 2 submissions from 2 submitters: Uncertain significance (2). Last evaluated 2026-04-08.

Conditions:
Inborn genetic diseases. Identifiers: MedGen C0950123, MeSH D030342.

Allele frequency attached by ClinVar (database versions not stated): gnomAD exomes 0.00001 and 0.00004; TOPMed 0.00001; gnomAD 0.00004.
gnomAD v4.1: 52 of 1,208,748 alleles (0.0043%); highest among the groups gnomAD compares: Non-Finnish European, 0.005%; no homozygotes.

Submissions (2):

Ambry Genetics
Classification: Uncertain significance for Inborn genetic diseases. Last evaluated: 2026-04-08. Review status: criteria provided, single submitter. Criteria: Ambry Variant Classification Scheme 2023. Collection method: clinical testing. Allele origin: germline.
Comment: The c.2125T>C (p.C709R) alteration is located in exon 12 (coding exon 12) of the FRMD7 gene. This alteration results from a T to C substitution at nucleotide position 2125, causing the cysteine (C) at amino acid position 709 to be replaced by an arginine (R). Based on data from gnomAD, the C allele has an overall frequency of <0.001% (1/182834) total alleles studied. The highest observed frequency was 0.001% (1/81470) of European (non-Finnish) alleles. Based on insufficient or conflicting evidence, the clinical significance of this alteration remains unclear.

Labcorp Genetics (formerly Invitae), Labcorp
Classification: Uncertain significance. Last evaluated: 2025-02-03. Review status: criteria provided, single submitter. Criteria: Invitae Variant Classification Sherloc (09022015). Collection method: clinical testing. Allele origin: germline.
Comment: This sequence change replaces cysteine, which is neutral and slightly polar, with arginine, which is basic and polar, at codon 709 of the FRMD7 protein (p.Cys709Arg). The frequency data for this variant in the population databases is considered unreliable, as metrics indicate poor data quality at this position in the gnomAD database. This variant has not been reported in the literature in individuals affected with FRMD7-related conditions. ClinVar contains an entry for this variant (Variation ID: 1002510). An algorithm developed to predict the effect of missense changes on protein structure and function outputs the following: PolyPhen-2: "Benign". The arginine amino acid residue is found in multiple mammalian species, which suggests that this missense change does not adversely affect protein function. In summary, the available evidence is currently insufficient to determine the role of this variant in disease. Therefore, it has been classified as a Variant of Uncertain Significance.

NM_194277.3(FRMD7):c.2125T>C (p.Cys709Arg)

Gene: FRMD7 (FERM domain containing 7; minus strand). Cytogenetic location: Xq26.2.
Variant type: single nucleotide variant.
Coding change: c.2125T>C on transcript NM_194277.3 (MANE Select); coding-DNA position 2125, T replaced by C.
Protein change: p.Cys709Arg; replaces cysteine 709 with arginine.
Molecular consequence: missense variant.
Genome position (GRCh38, 1-based): chrX:132,077,892, A>G on the plus strand (T>C on the coding strand, the complement: FRMD7 is on the minus strand). VCF-style: chrX-132077892-A-G. GRCh37 (hg19) VCF-style: chrX-131211920-A-G.
Other names: c.2125T>C (NM_194277.2); c.2080T>C, p.Cys694Arg (NM_001306193.2); short protein forms C694R, C709R.
Identifiers: ClinVar variation 1002510 (VCV001002510.9), dbSNP rs1490779227, ClinGen allele CA414677551.
Genomic context (GRCh38, chrX:132,077,892, plus strand): 5'-AACATGGAACTGGCTCAGAAATGTCCATAGGTTCACACTTTTAAGCTAAAAAGTAATTAC[A>G]TGGTTTTAGTGAAGTCCTGTCTTCAGCAGTTGGTGTGTTGAAATAAGCATCTTCATCTTC-3'
Protein context (NP_919253.1, residues 699-714): TAEDRTSLKP[Cys709Arg]NYFLA